The following is an entry in ClinVar:

ClinVar aggregate classification (germline): Uncertain significance (1 of 4 stars; one submission).

Conditions:
Cardiovascular phenotype. Identifiers: MedGen CN230736.

Submission:

Ambry Genetics
Classification: Uncertain significance for Cardiovascular phenotype. Last evaluated: 2026-09-07. Review status: criteria provided, single submitter. Criteria: Ambry Variant Classification Scheme 2023. Collection method: clinical testing. Allele origin: germline.
Comment: The p.H154R variant (also known as c.461A>G), located in coding exon 3 of the FHL1 gene, results from an A to G substitution at nucleotide position 461. The histidine at codon 154 is replaced by arginine, an amino acid with highly similar properties. This amino acid position is conserved. In addition, this alteration is predicted to be deleterious by in silico analysis. Based on the available evidence, the clinical significance of this variant remains unclear.

NM_001159699.2(FHL1):c.509A>G (p.His170Arg)

Gene: FHL1 (four and a half LIM domains 1; plus strand). Cytogenetic location: Xq26.3.
Variant type: single nucleotide variant.
Coding change: c.509A>G on transcript NM_001159699.2 (MANE Select); coding-DNA position 509, A replaced by G.
Protein change: p.His170Arg; replaces histidine 170 with arginine.
Molecular consequence: missense variant. On other transcripts: non-coding transcript variant (1).
Genome position (GRCh38, 1-based): chrX:136,207,921, A>G. VCF-style: chrX-136207921-A-G. GRCh37 (hg19) VCF-style: chrX-135290080-A-G.
Other names: c.461A>G, p.His154Arg (NM_001159700.2, NM_001159702.3, NM_001159703.2 and 9 more transcripts); c.548A>G, p.His183Arg (NM_001159701.2); c.509A>G, p.His170Arg (NM_001330659.2, NM_001440769.1); short protein forms H170R, H154R, H183R.
Identifiers: ClinVar variation 5021798 (VCV005021798.1).